The following is an entry in ClinVar:

NM_000070.3(CAPN3):c.2264-3C>A

Gene: CAPN3 (calpain 3; plus strand). Cytogenetic location: 15q15.1.
Variant type: single nucleotide variant.
Coding change: c.2264-3C>A on transcript NM_000070.3 (MANE Select); 3 bases into the intron before coding-DNA position 2264, C replaced by A.
Molecular consequence: intron variant.
Genome position (GRCh38, 1-based): chr15:42,410,881, C>A. VCF-style: chr15-42410881-C-A. GRCh37 (hg19) VCF-style: chr15-42703079-C-A.
Other names: c.2246-3C>A (NM_024344.2); c.1988-3C>A (NM_173087.2); c.728-3C>A (NM_173088.2); c.269-3C>A (NM_173090.2, NM_173089.2).
Identifiers: ClinVar variation 5038038 (VCV005038038.1).

ClinVar aggregate classification (germline): Likely pathogenic (1 of 4 stars; one submission).

Conditions:
Autosomal recessive limb-girdle muscular dystrophy type 2A (LGMDR1). Also called: LEYDEN-MOEBIUS MUSCULAR DYSTROPHY; MUSCULAR DYSTROPHY, PELVOFEMORAL; Limb-girdle muscular dystrophy, type 2A; Calpainopathy; Muscular dystrophy, limb-girdle, type 2A, Amish. Identifiers: Orphanet 267, MedGen C1869123, MONDO:0009675, OMIM 253600. Disease mechanism: loss of function.

Submission:

Department of Molecular Genetics, Istishari Arab Hospital
Classification: Likely pathogenic for Autosomal recessive limb-girdle muscular dystrophy type 2A. Last evaluated: 2026-10-29. Review status: criteria provided, single submitter. Criteria: ACMG Guidelines, 2015. Collection method: clinical testing. Allele origin: germline. Inheritance: Autosomal recessive inheritance. Affected: no.
Comment: The CAPN3 c.2264-3C>A variant is located three nucleotides upstream of the exon boundary and is predicted to affect normal splicing. This variant is not observed in the gnomAD v4.1 dataset, and to the best of our knowledge, it was not previously reported in the literature. Thus, due to the presence of multiple affected individuals homozygous for this variant, it is classified as likely pathogenic according to the recommendations of ACMG/AMP/ClinGen SVI guidelines.